The following is an entry in ClinVar:

ClinVar aggregate classification (germline): Pathogenic (1 of 4 stars; one submission).

Conditions:
Retinitis pigmentosa 12 (RP12). Also called: RP WITH OR WITHOUT PRESERVED PARAARTERIOLE RETINAL PIGMENT EPITHELIUM; RETINITIS PIGMENTOSA WITH OR WITHOUT PARAARTERIOLAR PRESERVATION OF RETINAL PIGMENT EPITHELIUM; RP WITH OR WITHOUT PPRPE. Identifiers: Orphanet 791, MedGen C1838647, MONDO:0010818, OMIM 600105.
Leber congenital amaurosis 8 (LCA8). Identifiers: Orphanet 65, MedGen C3151202, MONDO:0013453, OMIM 613835.

Submission:

Labcorp Genetics (formerly Invitae), Labcorp
Classification: Pathogenic for Leber congenital amaurosis 8; Retinitis pigmentosa 12. Last evaluated: 2022-10-25. Review status: criteria provided, single submitter. Criteria: Invitae Variant Classification Sherloc (09022015). Collection method: clinical testing. Allele origin: germline.
Comment: This variant is a gross deletion of the genomic region encompassing exon(s) 10-11 of the CRB1 gene. While this deletion is not anticipated to lead to nonsense mediated decay, it is expected to disrupt the C-terminus of the protein. This variant has not been reported in the literature in individuals affected with CRB1-related conditions. This variant disrupts a region of the CRB1 protein in which other variant(s) (p.Arg1390*) have been determined to be pathogenic (PMID: 23379534, 24715753, 29068479). This suggests that this is a clinically significant region of the protein, and that variants that disrupt it are likely to be disease-causing. For these reasons, this variant has been classified as Pathogenic.

Literature cited by the submitters: PubMed 23379534; PubMed 24715753; PubMed 29068479.

NC_000001.10:g.(?_197407657)_(197411442_?)del

Gene: CRB1 (crumbs cell polarity complex component 1; plus strand). Cytogenetic location: 1q31.3.
Variant type: Deletion.
Identifiers: ClinVar variation 2427686 (VCV002427686.3).